The following is an entry in ClinVar:

ClinVar aggregate classification (germline): Likely benign. Review status: criteria provided, multiple submitters, no conflicts (2 of 4 stars). 2 submissions from 2 submitters: Likely benign (2). Last evaluated 2025-08-11.

Conditions:
Hypertrophic cardiomyopathy. Also called: HYPERTROPHIC MYOCARDIOPATHY. Identifiers: Orphanet 217569, MedGen C0007194, MeSH D002312, MONDO:0005045, HP:0001639.

gnomAD v4.1: 1 of 1,614,110 alleles (0.000062%); highest among the groups gnomAD compares: Non-Finnish European, 0.000085%; no homozygotes.

Submissions (2):

Labcorp Genetics (formerly Invitae), Labcorp
Classification: Likely benign for Hypertrophic cardiomyopathy. Last evaluated: 2025-08-11. Review status: criteria provided, single submitter. Criteria: Invitae Variant Classification Sherloc (09022015). Collection method: clinical testing. Allele origin: germline.

All of Us Research Program, National Institutes of Health
Classification: Likely benign for Hypertrophic cardiomyopathy. Last evaluated: 2024-04-16. Review status: criteria provided, single submitter. Criteria: ACMG Guidelines, 2015. Collection method: clinical testing. Allele origin: germline. Inheritance: Autosomal dominant inheritance. Observed: 1 variant allele, 1 heterozygote.
Comment: This study involves interpretation of variants in research participants for the purpose of population health screening. Participant phenotype was not available at the time of variant classification. Additional details can be found in publication PMID: 35346344, PMCID: PMC8962531

NM_000258.3(MYL3):c.87T>C (p.Pro29=)

Gene: MYL3 (myosin light chain 3; minus strand). Cytogenetic location: 3p21.31.
Variant type: single nucleotide variant.
Coding change: c.87T>C on transcript NM_000258.3 (MANE Select); coding-DNA position 87, T replaced by C.
Protein change: p.Pro29=; no amino-acid change (proline 29 retained).
Molecular consequence: synonymous variant.
Genome position (GRCh38, 1-based): chr3:46,863,304, A>G on the plus strand (T>C on the coding strand, the complement: MYL3 is on the minus strand). VCF-style: chr3-46863304-A-G. GRCh37 (hg19) VCF-style: chr3-46904794-A-G.
Other names: c.87T>C, p.Pro29= (NM_001406937.1, NM_001406938.1, NM_001406939.1).
Identifiers: ClinVar variation 3387390 (VCV003387390.2).